The following is an entry in ClinVar:

Conditions:
Long QT syndrome 5 (LQT5). Identifiers: Orphanet 101016, Orphanet 768, MedGen C1867904, MONDO:0013372, OMIM 613695.

Submission:

Roden Lab, Vanderbilt University Medical Center
No classification provided (evidence only). Condition: Long QT syndrome 5. Review status: no classification provided. Collection method: in vitro. Allele origin: not applicable. Functional consequence: Effect on ion channel function.
ClinVar note: "not provided" was previously submitted as the classification for the variant. However, the classification appeared to be based only on an observation of functional data so it was converted to no classification on 2025-07-30.

NM_000219.6(KCNE1):c.56A>T (p.Glu19Val)

Gene: KCNE1 (potassium voltage-gated channel subfamily E regulatory subunit 1; minus strand). Cytogenetic location: 21q22.12.
Variant type: single nucleotide variant.
Coding change: c.56A>T on transcript NM_000219.6 (MANE Select); coding-DNA position 56, A replaced by T.
Protein change: p.Glu19Val; replaces glutamic acid 19 with valine.
Molecular consequence: missense variant.
Genome position (GRCh38, 1-based): chr21:34,449,579, T>A on the plus strand (A>T on the coding strand, the complement: KCNE1 is on the minus strand). VCF-style: chr21-34449579-T-A. GRCh37 (hg19) VCF-style: chr21-35821877-T-A.
Other names: c.56A>T, p.Glu19Val (NM_001127668.4, NM_001127669.4, NM_001127670.4 and 4 more transcripts); short protein forms E19V.
Identifiers: ClinVar variation 3373927 (VCV003373927.2).
Genomic context (GRCh38, chr21:34,449,579, plus strand): 5'-TCACTGCTGCGGGGGGACCTGCGGGCCAGGCCCGACATGTTGCCACCCTGCTGAACTGTC[T>A]CCTGCCACAGCTTGGTCAGAAAGGGCGTCACCGCTGTGGTGTTAGACAGGATCATCCTGG-3'
Protein context (NP_000210.2, residues 9-29): VTPFLTKLWQ[Glu19Val]TVQQGGNMSG